The following is an entry in ClinVar:

NM_001374736.1(DST):c.17564A>T (p.Glu5855Val)

Gene: DST (dystonin; minus strand). Cytogenetic location: 6p12.1.
Variant type: single nucleotide variant.
Coding change: c.17564A>T on transcript NM_001374736.1 (MANE Select); coding-DNA position 17564, A replaced by T.
Protein change: p.Glu5855Val; replaces glutamic acid 5855 with valine.
Molecular consequence: missense variant. On other transcripts: intron variant (2).
Genome position (GRCh38, 1-based): chr6:56,529,479, T>A on the plus strand (A>T on the coding strand, the complement: DST is on the minus strand). VCF-style: chr6-56529479-T-A. GRCh37 (hg19) VCF-style: chr6-56394277-T-A.
Other names: c.11207A>T, p.Glu3736Val (NM_001144769.5); c.10793A>T, p.Glu3598Val (NM_001144770.2); c.17564A>T, p.Glu5855Val (NM_001374722.1); c.17591A>T, p.Glu5864Val (NM_001374734.1); c.10673A>T, p.Glu3558Val (NM_001386100.1, NM_183380.4); c.9695A>T, p.Glu3232Val (NM_015548.5); c.10377+495A>T (NM_001374730.1); c.16635+495A>T (NM_001374729.1); short protein forms E3736V, E3232V, E5864V, E3598V, E5855V, E3558V.
Identifiers: ClinVar variation 1797576 (VCV001797576.2), dbSNP rs2096858899, ClinGen allele CA364507760.

ClinVar aggregate classification (germline): Uncertain significance (1 of 4 stars; one submission).

Conditions:
Inborn genetic diseases. Identifiers: MedGen C0950123, MeSH D030342.

Submission:

Ambry Genetics
Classification: Uncertain significance for Inborn genetic diseases. Last evaluated: 2020-07-07. Review status: criteria provided, single submitter. Criteria: Ambry Variant Classification Scheme 2023. Collection method: clinical testing. Allele origin: germline.
Comment: The p.E3736V variant (also known as c.11207A>T), located in coding exon 60 of the DST gene, results from an A to T substitution at nucleotide position 11207. The glutamic acid at codon 3736 is replaced by valine, an amino acid with dissimilar properties. This amino acid position is not well conserved in available vertebrate species. In addition, this alteration is predicted to be tolerated by in silico analysis. Since supporting evidence is limited at this time, the clinical significance of this alteration remains unclear.